The following is an entry in ClinVar:

NM_002474.3(MYH11):c.3382G>C (p.Asp1128His)

Gene: MYH11 (myosin heavy chain 11; minus strand). Cytogenetic location: 16p13.11.
Variant type: single nucleotide variant.
Coding change: c.3382G>C on transcript NM_002474.3 (MANE Select); coding-DNA position 3382, G replaced by C.
Protein change: p.Asp1128His; replaces aspartic acid 1128 with histidine.
Molecular consequence: missense variant.
Genome position (GRCh38, 1-based): chr16:15,735,490, C>G on the plus strand (G>C on the coding strand, the complement: MYH11 is on the minus strand). VCF-style: chr16-15735490-C-G. GRCh37 (hg19) VCF-style: chr16-15829347-C-G.
Other names: c.3403G>C, p.Asp1135His (NM_001040113.2, NM_001040114.2); c.3382G>C, p.Asp1128His (NM_022844.3); short protein forms D1128H, D1135H.
Identifiers: ClinVar variation 4749618 (VCV004749618.1).

ClinVar aggregate classification (germline): Uncertain significance (1 of 4 stars; one submission).

Conditions:
Aortic aneurysm, familial thoracic 4 (AAT4). Also called: AORTIC ANEURYSM/AORTIC DISSECTION AND PATENT DUCTUS ARTERIOSUS. Identifiers: MedGen C1851504, MONDO:0007568, OMIM 132900.

Submission:

Labcorp Genetics (formerly Invitae), Labcorp
Classification: Uncertain significance for Aortic aneurysm, familial thoracic 4. Last evaluated: 2025-11-01. Review status: criteria provided, single submitter. Criteria: Invitae Variant Classification Sherloc (09022015). Collection method: clinical testing. Allele origin: germline.
Comment: This sequence change replaces aspartic acid, which is acidic and polar, with histidine, which is basic and polar, at codon 1135 of the MYH11 protein (p.Asp1135His). This variant is not present in population databases (gnomAD no frequency). This variant has not been reported in the literature in individuals affected with MYH11-related conditions. Invitae Evidence Modeling of protein sequence and biophysical properties (such as structural, functional, and spatial information, amino acid conservation, physicochemical variation, residue mobility, and thermodynamic stability) indicates that this missense variant is not expected to disrupt MYH11 protein function with a negative predictive value of 95%. In summary, the available evidence is currently insufficient to determine the role of this variant in disease. Therefore, it has been classified as a Variant of Uncertain Significance.